The following is an entry in ClinVar:

NM_001013838.3(CARMIL2):c.2874C>A (p.Pro958=)

Gene: CARMIL2 (capping protein regulator and myosin 1 linker 2; plus strand). Cytogenetic location: 16q22.1.
Variant type: single nucleotide variant.
Coding change: c.2874C>A on transcript NM_001013838.3 (MANE Select); coding-DNA position 2874, C replaced by A.
Protein change: p.Pro958=; no amino-acid change (proline 958 retained).
Molecular consequence: synonymous variant.
Genome position (GRCh38, 1-based): chr16:67,652,528, C>A. VCF-style: chr16-67652528-C-A. GRCh37 (hg19) VCF-style: chr16-67686431-C-A.
Other names: c.2766C>A, p.Pro922= (NM_001317026.3, NM_001438244.1, NM_001438835.1).
Identifiers: ClinVar variation 5041441 (VCV005041441.1).

ClinVar aggregate classification (germline): Likely benign (1 of 4 stars; one submission).

Submission:

CeGaT Center for Human Genetics Tuebingen
Classification: Likely benign. Last evaluated: 2026-09-01. Review status: criteria provided, single submitter. Criteria: CeGaT Center For Human Genetics Tuebingen Variant Classification Criteria Version 2. Collection method: clinical testing. Allele origin: germline. Affected: yes. Observed: 1 variant allele.
Comment: CARMIL2: PM2:Supporting, BP4, BP7